The following is an entry in ClinVar:

ClinVar aggregate classification (germline): Likely benign. Review status: reviewed by expert panel (3 of 4 stars). 3 submissions from 3 submitters: Likely benign (1). 2 of the submissions do not count toward it. Last evaluated 2017-06-29.

Conditions:
Hereditary breast ovarian cancer syndrome. Also called: Hereditary breast and ovarian cancer; Breast and ovarian cancer; BRCA1- and BRCA2-Associated Hereditary Breast and Ovarian Cancer; Hereditary breast and ovarian cancer syndrome; Hereditary breast and ovarian cancer syndrome (HBOC); Hereditary breast and/or ovarian cancer syndrome. Identifiers: Orphanet 145, MedGen C0677776, MeSH D061325, MONDO:0003582. Disease mechanism: loss of function.
Hereditary cancer-predisposing syndrome. Also called: Tumor predisposition; Hereditary Cancer Syndrome; Hereditary neoplastic syndrome; Neoplastic Syndromes, Hereditary. Identifiers: Orphanet 140162, MedGen C0027672, MeSH D009386, MONDO:0015356.
Breast-ovarian cancer, familial, susceptibility to, 2 (BROVCA2). Also called: BRCA2 Hereditary Breast and Ovarian Cancer. Identifiers: Orphanet 145, MedGen C2675520, MONDO:0012933, OMIM 612555. Disease mechanism: loss of function.

gnomAD v4.1: 1 of 1,608,650 alleles (0.000062%); highest among the groups gnomAD compares: East Asian, 0.0022%; no homozygotes.

Submissions (3):

Evidence-based Network for the Interpretation of Germline Mutant Alleles (ENIGMA)
Classification: Likely benign for Breast-ovarian cancer, familial, susceptibility to, 2. Last evaluated: 2017-06-29. Review status: reviewed by expert panel. Criteria: ENIGMA BRCA1/2 Classification Criteria (2017-06-29). Collection method: curation. Allele origin: germline.
Comment: Synonymous substitution variant, with low bioinformatic likelihood to result in a splicing aberration (Splicing prior probability 0.02).

Labcorp Genetics (formerly Invitae), Labcorp
Classification: Likely benign for Hereditary breast ovarian cancer syndrome. Last evaluated: 2024-01-18. Review status: criteria provided, single submitter. Criteria: Invitae Variant Classification Sherloc (09022015). Collection method: clinical testing. Allele origin: germline. Not counted in ClinVar's aggregate classification.

Ambry Genetics
Classification: Likely benign for Hereditary cancer-predisposing syndrome. Last evaluated: 2023-08-21. Review status: criteria provided, single submitter. Criteria: Ambry Variant Classification Scheme 2023. Collection method: clinical testing. Allele origin: germline. Not counted in ClinVar's aggregate classification.

NM_000059.4(BRCA2):c.6237G>C (p.Val2079=)

Gene: BRCA2 (BRCA2 DNA repair associated; plus strand). Cytogenetic location: 13q13.1.
Variant type: single nucleotide variant.
Coding change: c.6237G>C on transcript NM_000059.4 (MANE Select); coding-DNA position 6237, G replaced by C.
Protein change: p.Val2079=; no amino-acid change (valine 2079 retained).
Molecular consequence: synonymous variant.
Genome position (GRCh38, 1-based): chr13:32,340,592, G>C. VCF-style: chr13-32340592-G-C. GRCh37 (hg19) VCF-style: chr13-32914729-G-C.
Identifiers: ClinVar variation 236889 (VCV000236889.13), dbSNP rs864622516, ClinGen allele CA10583119.
Genomic context (GRCh38, chr13:32,340,592, plus strand): 5'-TACAGCAAGTGGAAAGCAAGTTTCCATTTTAGAAAGTTCCTTACACAAAGTTAAGGGAGT[G>C]TTAGAGGAATTTGATTTAATCAGAACTGAGCATAGTCTTCACTATTCACCTACGTCTAGA-3'
Protein context (NP_000050.3, residues 2069-2089): LESSLHKVKG[Val2079=]LEEFDLIRTE